The following is an entry in ClinVar:

ClinVar aggregate classification (germline): Likely benign. Review status: criteria provided, single submitter (1 of 4 stars). 2 submissions from 2 submitters: Likely benign (1). 1 of the submissions does not count toward it. Last evaluated 2025-01-07.

Conditions:
ERCC6-related disorder. Also called: ERCC6-related condition; ERCC6-related disorders. Identifiers: MedGen CN239385.

Allele frequency attached by ClinVar (database versions not stated): gnomAD exomes 0.00006; ExAC 0.00007; ESP Exome Variant Server 0.00008; gnomAD 0.00009; TOPMed 0.00009.
gnomAD v4.1: 263 of 1,613,958 alleles (0.016%); highest among the groups gnomAD compares: Non-Finnish European, 0.021%; 1 homozygote.

Submissions (2):

Labcorp Genetics (formerly Invitae), Labcorp
Classification: Likely benign. Last evaluated: 2025-01-07. Review status: criteria provided, single submitter. Criteria: Invitae Variant Classification Sherloc (09022015). Collection method: clinical testing. Allele origin: germline.

PreventionGenetics, part of Exact Sciences
Classification: Likely benign for ERCC6-related condition. Last evaluated: 2019-09-17. Review status: no assertion criteria provided. Collection method: clinical testing. Allele origin: germline. Not counted in ClinVar's aggregate classification.
Comment: This variant is classified as likely benign based on ACMG/AMP sequence variant interpretation guidelines (Richards et al. 2015 PMID: 25741868, with internal and published modifications).

NM_000124.4(ERCC6):c.3534T>C (p.Phe1178=)

Gene: ERCC6 (ERCC excision repair 6, chromatin remodeling factor; minus strand). Cytogenetic location: 10q11.23.
Variant type: single nucleotide variant.
Coding change: c.3534T>C on transcript NM_000124.4 (MANE Select); coding-DNA position 3534, T replaced by C.
Protein change: p.Phe1178=; no amino-acid change (phenylalanine 1178 retained).
Molecular consequence: synonymous variant.
Genome position (GRCh38, 1-based): chr10:49,470,426, A>G on the plus strand (T>C on the coding strand, the complement: ERCC6 is on the minus strand). VCF-style: chr10-49470426-A-G. GRCh37 (hg19) VCF-style: chr10-50678472-A-G.
Other names: c.3534T>C (NM_000124.3); c.3534T>C, p.Phe1178= (NM_001346440.2).
Identifiers: ClinVar variation 1106317 (VCV001106317.11), dbSNP rs4253210, ClinGen allele CA5495332.